The following is an entry in ClinVar:

ClinVar aggregate classification (germline): Uncertain significance. Review status: criteria provided, multiple submitters, no conflicts (2 of 4 stars). 2 submissions from 2 submitters: Uncertain significance (2). Last evaluated 2024-09-18.

Conditions:
Diffuse cerebral and cerebellar atrophy - intractable seizures - progressive microcephaly syndrome. Also called: Microcephaly, progressive, with seizures and cerebral and cerebellar atrophy. Identifiers: Orphanet 404437, MedGen C4014239, MONDO:0014335, OMIM 615760.

Allele frequency attached by ClinVar (database versions not stated): gnomAD 0.00002; TOPMed 0.00002; ExAC 0.00003; gnomAD exomes 0.00004; 1000 Genomes Project 30x 0.00016; 1000 Genomes Project 0.00020.
gnomAD v4.1: 30 of 1,614,224 alleles (0.0019%); highest among the groups gnomAD compares: East Asian, 0.0045%; no homozygotes.

Submissions (2):

Blueprint Genetics
Classification: Uncertain significance. Last evaluated: 2024-09-18. Review status: criteria provided, single submitter. Criteria: ACMG Guidelines, 2015. Collection method: clinical testing. Allele origin: germline.

Labcorp Genetics (formerly Invitae), Labcorp
Classification: Uncertain significance for Diffuse cerebral and cerebellar atrophy - intractable seizures - progressive microcephaly syndrome. Last evaluated: 2022-10-17. Review status: criteria provided, single submitter. Criteria: Invitae Variant Classification Sherloc (09022015). Collection method: clinical testing. Allele origin: germline.
Comment: In summary, the available evidence is currently insufficient to determine the role of this variant in disease. Therefore, it has been classified as a Variant of Uncertain Significance. Advanced modeling of protein sequence and biophysical properties (such as structural, functional, and spatial information, amino acid conservation, physicochemical variation, residue mobility, and thermodynamic stability) has been performed at Invitae for this missense variant, however the output from this modeling did not meet the statistical confidence thresholds required to predict the impact of this variant on QARS protein function. ClinVar contains an entry for this variant (Variation ID: 1436983). This variant has not been reported in the literature in individuals affected with QARS-related conditions. This variant is present in population databases (rs540260992, gnomAD 0.006%). This sequence change replaces leucine, which is neutral and non-polar, with valine, which is neutral and non-polar, at codon 63 of the QARS protein (p.Leu63Val).

NM_005051.3(QARS1):c.187C>G (p.Leu63Val)

Gene: QARS1 (glutaminyl-tRNA synthetase 1; minus strand). Cytogenetic location: 3p21.31.
Variant type: single nucleotide variant.
Coding change: c.187C>G on transcript NM_005051.3 (MANE Select); coding-DNA position 187, C replaced by G.
Protein change: p.Leu63Val; replaces leucine 63 with valine.
Molecular consequence: missense variant. On other transcripts: non-coding transcript variant (1).
Genome position (GRCh38, 1-based): chr3:49,104,402, G>C on the plus strand (C>G on the coding strand, the complement: QARS1 is on the minus strand). VCF-style: chr3-49104402-G-C. GRCh37 (hg19) VCF-style: chr3-49141835-G-C.
Other names: c.187C>G, p.Leu63Val (NM_001272073.2); short protein forms L63V.
Identifiers: ClinVar variation 1436983 (VCV001436983.5), dbSNP rs540260992, ClinGen allele CA2392278.